The following is an entry in ClinVar:

NM_018055.5(NODAL):c.446del (p.Gly149fs)

Gene: NODAL (nodal growth differentiation factor; minus strand). Cytogenetic location: 10q22.1.
Variant type: Deletion.
Coding change: c.446del on transcript NM_018055.5 (MANE Select); coding-DNA position 446, one base deleted (G; older notation c.446delG).
Protein change: p.Gly149fs; shifts the reading frame from glycine 149.
Molecular consequence: frameshift variant.
Genome position (GRCh38, 1-based): chr10:70,435,731, C deleted on the plus strand (G on the coding strand, the reverse complement: NODAL is on the minus strand); the first of 3 consecutive C bases (chr10:70,435,731-70,435,733); deleting any one gives the same sequence. VCF-style (leftmost placement, unchanged base first): chr10-70435730-GC-G. GRCh37 (hg19) VCF-style: chr10-72195486-GC-G.
Other names: c.47del, p.Gly16fs (NM_001329906.2); c.446delG (NM_018055.4); short protein forms G149fs, G16fs.
Identifiers: ClinVar variation 663619 (VCV000663619.1), dbSNP rs1589152470, ClinGen allele CA915945947.

ClinVar aggregate classification (germline): Pathogenic (1 of 4 stars; one submission).

Conditions:
Heterotaxy, visceral, 5, autosomal (HTX5). Also called: Heterotaxy, visceral, 5. Identifiers: Orphanet 450, MedGen C3495537, MONDO:0700112, OMIM 270100.

Submission:

Labcorp Genetics (formerly Invitae), Labcorp
Classification: Pathogenic for Visceral heterotaxy 5, autosomal. Last evaluated: 2018-08-03. Review status: criteria provided, single submitter. Criteria: Invitae Variant Classification Sherloc (09022015). Collection method: clinical testing. Allele origin: germline.
Comment: This sequence change creates a premature translational stop signal (p.Gly149Alafs*7) in the NODAL gene. It is expected to result in an absent or disrupted protein product. This variant is not present in population databases (ExAC no frequency). This variant has not been reported in the literature in individuals with NODAL-related disease. Loss-of-function variants in NODAL are known to be pathogenic (PMID: 19064609, 19933292). For these reasons, this variant has been classified as Pathogenic.